The following is an entry in ClinVar:

NM_177438.3(DICER1):c.5461A>C (p.Met1821Leu)

Gene: DICER1 (dicer 1, ribonuclease III; minus strand). Cytogenetic location: 14q32.13.
Variant type: single nucleotide variant.
Coding change: c.5461A>C on transcript NM_177438.3 (MANE Select); coding-DNA position 5461, A replaced by C.
Protein change: p.Met1821Leu; replaces methionine 1821 with leucine.
Molecular consequence: missense variant. On other transcripts: intron variant (1).
Genome position (GRCh38, 1-based): chr14:95,091,269, T>G on the plus strand (A>C on the coding strand, the complement: DICER1 is on the minus strand). VCF-style: chr14-95091269-T-G. GRCh37 (hg19) VCF-style: chr14-95557606-T-G.
Other names: c.5461A>C, p.Met1821Leu (NM_001271282.3, NM_001291628.2, NM_030621.4); c.5365-160A>C (NM_001195573.1); short protein forms M1821L.
Identifiers: ClinVar variation 412076 (VCV000412076.13), dbSNP rs1060503604, ClinGen allele CA16614161.
Genomic context (GRCh38, chr14:95,091,269, plus strand): 5'-GTGGCCGCATCATGGGATAGTACACCTGCCAGACTGTCTCCAGTGACATCCCACTATCCA[T>G]GTAAATGGCACCAGCAAGCGACTCAAAAATATCCCCCATGGCCTTTGGAACTTCAATATC-3'
Protein context (NP_803187.1, residues 1811-1831): IFESLAGAIY[Met1821Leu]DSGMSLETVW

ClinVar aggregate classification (germline): Uncertain significance. Review status: criteria provided, multiple submitters, no conflicts (2 of 4 stars). 2 submissions from 2 submitters: Uncertain significance (2). Last evaluated 2024-03-11.

Conditions:
DICER1-related tumor predisposition. Also called: DICER1-related pleuropulmonary blastoma cancer predisposition syndrome; DICER1 syndrome. Identifiers: Orphanet 284343, MedGen C3839822, MONDO:0100216.
Hereditary cancer-predisposing syndrome. Also called: Hereditary neoplastic syndrome; Neoplastic Syndromes, Hereditary; Tumor predisposition; Hereditary Cancer Syndrome. Identifiers: Orphanet 140162, MedGen C0027672, MeSH D009386, MONDO:0015356.

Submissions (2):

Labcorp Genetics (formerly Invitae), Labcorp
Classification: Uncertain significance for DICER1-related tumor predisposition. Last evaluated: 2024-03-11. Review status: criteria provided, single submitter. Criteria: Invitae Variant Classification Sherloc (09022015). Collection method: clinical testing. Allele origin: germline.
Comment: This sequence change replaces methionine, which is neutral and non-polar, with leucine, which is neutral and non-polar, at codon 1821 of the DICER1 protein (p.Met1821Leu). This variant is not present in population databases (gnomAD no frequency). This variant has not been reported in the literature in individuals affected with DICER1-related conditions. ClinVar contains an entry for this variant (Variation ID: 412076). An algorithm developed to predict the effect of missense changes on protein structure and function (PolyPhen-2) suggests that this variant is likely to be tolerated. In summary, the available evidence is currently insufficient to determine the role of this variant in disease. Therefore, it has been classified as a Variant of Uncertain Significance.

Ambry Genetics
Classification: Uncertain significance for Hereditary cancer-predisposing syndrome. Last evaluated: 2021-10-18. Review status: criteria provided, single submitter. Criteria: Ambry Variant Classification Scheme 2023. Collection method: clinical testing. Allele origin: germline.
Comment: The p.M1821L variant (also known as c.5461A>C), located in coding exon 24 of the DICER1 gene, results from an A to C substitution at nucleotide position 5461. The methionine at codon 1821 is replaced by leucine, an amino acid with highly similar properties. This amino acid position is highly conserved in available vertebrate species. In addition, the in silico prediction for this alteration is inconclusive. Since supporting evidence is limited at this time, the clinical significance of this alteration remains unclear.